The following is an entry in ClinVar:

NM_004304.5(ALK):c.4844T>G (p.Met1615Arg)

Gene: ALK (ALK receptor tyrosine kinase; minus strand). Cytogenetic location: 2p23.2.
Variant type: single nucleotide variant.
Coding change: c.4844T>G on transcript NM_004304.5 (MANE Select); coding-DNA position 4844, T replaced by G.
Protein change: p.Met1615Arg; replaces methionine 1615 with arginine.
Molecular consequence: missense variant.
Genome position (GRCh38, 1-based): chr2:29,193,243, A>C on the plus strand (T>G on the coding strand, the complement: ALK is on the minus strand). VCF-style: chr2-29193243-A-C. GRCh37 (hg19) VCF-style: chr2-29416109-A-C.
Other names: c.1640T>G, p.Met547Arg (NM_001353765.2); short protein forms M1615R, M547R.
Identifiers: ClinVar variation 1743524 (VCV001743524.2), dbSNP rs1668918393, ClinGen allele CA346460028.

ClinVar aggregate classification (germline): Uncertain significance (1 of 4 stars; one submission).

Conditions:
Hereditary cancer-predisposing syndrome. Also called: Hereditary Cancer Syndrome; Neoplastic Syndromes, Hereditary; Tumor predisposition; Hereditary neoplastic syndrome. Identifiers: Orphanet 140162, MedGen C0027672, MeSH D009386, MONDO:0015356.

Submission:

Ambry Genetics
Classification: Uncertain significance for Hereditary cancer-predisposing syndrome. Last evaluated: 2022-04-08. Review status: criteria provided, single submitter. Criteria: Ambry Variant Classification Scheme 2023. Collection method: clinical testing. Allele origin: germline.
Comment: The p.M1615R variant (also known as c.4844T>G), located in coding exon 29 of the ALK gene, results from a T to G substitution at nucleotide position 4844. The methionine at codon 1615 is replaced by arginine, an amino acid with similar properties. This amino acid position is conserved. In addition, this alteration is predicted to be tolerated by in silico analysis. Since supporting evidence is limited at this time, the clinical significance of this alteration remains unclear.